The following is an entry in ClinVar:

ClinVar aggregate classification (germline): Pathogenic (1 of 4 stars; one submission).

Conditions:
Gray platelet syndrome (GPS). Also called: BLEEDING DISORDER, PLATELET-TYPE, 4. Identifiers: Orphanet 721, MedGen C0272302, MONDO:0007686, OMIM 139090.

Submission:

NIHR Bioresource Rare Diseases, University of Cambridge
Classification: Pathogenic for Gray platelet syndrome. Last evaluated: 2020-03-01. Review status: criteria provided, single submitter. Criteria: ACMG Guidelines, 2015. Collection method: research. Allele origin: unknown. Inheritance: Autosomal recessive inheritance. Affected: yes. Observed: 1 compound heterozygote.
Comment: ACMG criteria: PVS1, PM2, PP4

Literature cited by the submitters: PubMed 32693407.

NM_015175.3(NBEAL2):c.6920-1G>C

Gene: NBEAL2 (neurobeachin like 2; plus strand). Cytogenetic location: 3p21.31.
Variant type: single nucleotide variant.
Coding change: c.6920-1G>C on transcript NM_015175.3 (MANE Select); the canonical splice acceptor site of the intron before coding-DNA position 6920, G replaced by C.
Molecular consequence: splice acceptor variant.
Genome position (GRCh38, 1-based): chr3:47,006,164, G>C. VCF-style: chr3-47006164-G-C. GRCh37 (hg19) VCF-style: chr3-47047654-G-C.
Other names: c.6818-1G>C (NM_001365116.2).
Identifiers: ClinVar variation 982279 (VCV000982279.1), dbSNP rs2037428827, ClinGen allele CA352538875.